The following is an entry in ClinVar:

NM_015192.4(PLCB1):c.1538A>G (p.Asp513Gly)

Gene: PLCB1 (phospholipase C beta 1; plus strand). Cytogenetic location: 20p12.3.
Variant type: single nucleotide variant.
Coding change: c.1538A>G on transcript NM_015192.4 (MANE Select); coding-DNA position 1538, A replaced by G.
Protein change: p.Asp513Gly; replaces aspartic acid 513 with glycine.
Molecular consequence: missense variant.
Genome position (GRCh38, 1-based): chr20:8,722,378, A>G. VCF-style: chr20-8722378-A-G. GRCh37 (hg19) VCF-style: chr20-8703025-A-G.
Other names: c.1538A>G, p.Asp513Gly (NM_182734.3); short protein forms D513G.
Identifiers: ClinVar variation 1418280 (VCV001418280.8), dbSNP rs941680744, ClinGen allele CA311250976.

ClinVar aggregate classification (germline): Uncertain significance (1 of 4 stars; one submission).

Conditions:
Developmental and epileptic encephalopathy, 12 (DEE12). Identifiers: MedGen C3150988, MONDO:0013389, OMIM 613722.

Allele frequency attached by ClinVar (database versions not stated): gnomAD exomes below 0.00001.
gnomAD v4.1: 1 of 1,611,768 alleles (0.000062%); highest among the groups gnomAD compares: Admixed American, 0.0017%; no homozygotes.

Submission:

Labcorp Genetics (formerly Invitae), Labcorp
Classification: Uncertain significance for Developmental and epileptic encephalopathy, 12. Last evaluated: 2022-07-19. Review status: criteria provided, single submitter. Criteria: Invitae Variant Classification Sherloc (09022015). Collection method: clinical testing. Allele origin: germline.
Comment: In summary, the available evidence is currently insufficient to determine the role of this variant in disease. Therefore, it has been classified as a Variant of Uncertain Significance. Algorithms developed to predict the effect of missense changes on protein structure and function (SIFT, PolyPhen-2, Align-GVGD) all suggest that this variant is likely to be tolerated. ClinVar contains an entry for this variant (Variation ID: 1418280). This variant has not been reported in the literature in individuals affected with PLCB1-related conditions. This variant is not present in population databases (gnomAD no frequency). This sequence change replaces aspartic acid, which is acidic and polar, with glycine, which is neutral and non-polar, at codon 513 of the PLCB1 protein (p.Asp513Gly).